The following is an entry in ClinVar:

ClinVar aggregate classification (germline): Uncertain significance (1 of 4 stars; one submission).

Conditions:
Hereditary cancer-predisposing syndrome. Also called: Neoplastic Syndromes, Hereditary; Tumor predisposition; Hereditary Cancer Syndrome; Hereditary neoplastic syndrome. Identifiers: Orphanet 140162, MedGen C0027672, MeSH D009386, MONDO:0015356.

Submission:

Ambry Genetics
Classification: Uncertain significance for Hereditary cancer-predisposing syndrome. Last evaluated: 2025-12-22. Review status: criteria provided, single submitter. Criteria: Ambry Variant Classification Scheme 2023. Collection method: clinical testing. Allele origin: germline.
Comment: The p.Q145H variant (also known as c.435G>C), located in coding exon 4 of the SDHA gene, results from a G to C substitution at nucleotide position 435. The glutamine at codon 145 is replaced by histidine, an amino acid with highly similar properties. This amino acid position is conserved. In addition, the in silico prediction for this alteration is inconclusive. Based on the available evidence, the clinical significance of this variant remains unclear.

NM_004168.4(SDHA):c.435G>C (p.Gln145His)

Gene: SDHA (succinate dehydrogenase complex flavoprotein subunit A; plus strand). Cytogenetic location: 5p15.33.
Variant type: single nucleotide variant.
Coding change: c.435G>C on transcript NM_004168.4 (MANE Select); coding-DNA position 435, G replaced by C.
Protein change: p.Gln145His; replaces glutamine 145 with histidine.
Molecular consequence: missense variant. On other transcripts: intron variant (1).
Genome position (GRCh38, 1-based): chr5:225,541, G>C. VCF-style: chr5-225541-G-C. GRCh37 (hg19) VCF-style: chr5-225656-G-C.
Other names: c.435G>C, p.Gln145His (NM_001330758.2); c.313-342G>C (NM_001294332.2); short protein forms Q145H.
Identifiers: ClinVar variation 4843553 (VCV004843553.1).